The following is an entry in ClinVar:

NM_000256.3(MYBPC3):c.3202C>T (p.Pro1068Ser)

Gene: MYBPC3 (myosin binding protein C3; minus strand). Cytogenetic location: 11p11.2.
Variant type: single nucleotide variant.
Coding change: c.3202C>T on transcript NM_000256.3 (MANE Select); coding-DNA position 3202, C replaced by T.
Protein change: p.Pro1068Ser; replaces proline 1068 with serine.
Molecular consequence: missense variant.
Genome position (GRCh38, 1-based): chr11:47,333,322, G>A on the plus strand (C>T on the coding strand, the complement: MYBPC3 is on the minus strand). VCF-style: chr11-47333322-G-A. GRCh37 (hg19) VCF-style: chr11-47354873-G-A.
Other names: short protein forms P1068S.
Identifiers: ClinVar variation 1025716 (VCV001025716.10), dbSNP rs2095879147, ClinGen allele CA380314520.
Genomic context (GRCh38, chr11:47,333,322, plus strand): 5'-GCTTCCACTCCAGAGCCACATTAAGACCCCAGGCGTCAGTCACCCGGAGATCCTGGGGAG[G>A]ACTTGGCTTGTCTGCGGGAGACAGACCCAGTTGGGTCACCACGCCTCCTGACAGTGAGCA-3'
Protein context (NP_000247.2, residues 1058-1078): LVLQVVDKPS[Pro1068Ser]PQDLRVTDAW

ClinVar aggregate classification (germline): Uncertain significance. Review status: criteria provided, multiple submitters, no conflicts (2 of 4 stars). 2 submissions from 2 submitters: Uncertain significance (2). Last evaluated 2023-05-07.

Conditions:
Cardiomyopathy (CMYO). Also called: Cardiomyopathies. Identifiers: Orphanet 167848, MedGen C0878544, MONDO:0004994, HP:0001638. Inheritance: Various modes of inheritance.
Hypertrophic cardiomyopathy. Also called: HYPERTROPHIC MYOCARDIOPATHY. Identifiers: Orphanet 217569, MedGen C0007194, MeSH D002312, MONDO:0005045, HP:0001639.

gnomAD v4.1: 1 of 1,579,180 alleles (0.000063%); no homozygotes.

Submissions (2):

Labcorp Genetics (formerly Invitae), Labcorp
Classification: Uncertain significance for Hypertrophic cardiomyopathy. Last evaluated: 2023-05-07. Review status: criteria provided, single submitter. Criteria: Invitae Variant Classification Sherloc (09022015). Collection method: clinical testing. Allele origin: germline.
Comment: This sequence change replaces proline, which is neutral and non-polar, with serine, which is neutral and polar, at codon 1068 of the MYBPC3 protein (p.Pro1068Ser). This variant is not present in population databases (gnomAD no frequency). This variant has not been reported in the literature in individuals affected with MYBPC3-related conditions. ClinVar contains an entry for this variant (Variation ID: 1025716). An algorithm developed to predict the effect of missense changes on protein structure and function (PolyPhen-2) suggests that this variant is likely to be tolerated. In summary, the available evidence is currently insufficient to determine the role of this variant in disease. Therefore, it has been classified as a Variant of Uncertain Significance.

CHEO Genetics Diagnostic Laboratory, Children's Hospital of Eastern Ontario
Classification: Uncertain significance for Cardiomyopathy. Last evaluated: 2019-09-09. Review status: criteria provided, single submitter. Criteria: ACMG Guidelines, 2015. Collection method: clinical testing. Allele origin: germline.